The following is an entry in ClinVar:

NM_014141.6(CNTNAP2):c.2147A>G (p.Tyr716Cys)

Gene: CNTNAP2 (contactin associated protein 2; plus strand). Cytogenetic location: 7q35.
Variant type: single nucleotide variant.
Coding change: c.2147A>G on transcript NM_014141.6 (MANE Select); coding-DNA position 2147, A replaced by G.
Protein change: p.Tyr716Cys; replaces tyrosine 716 with cysteine.
Molecular consequence: missense variant.
Genome position (GRCh38, 1-based): chr7:147,903,613, A>G. VCF-style: chr7-147903613-A-G. GRCh37 (hg19) VCF-style: chr7-147600705-A-G.
Other names: p.Y716C:TAC>TGC; short protein forms Y716C.
Identifiers: ClinVar variation 205258 (VCV000205258.11), dbSNP rs760930032, ClinGen allele CA314150.

ClinVar aggregate classification (germline): Uncertain significance. Review status: criteria provided, multiple submitters, no conflicts (2 of 4 stars). 4 submissions from 4 submitters: Uncertain significance (3). 1 of the submissions does not count toward it. Last evaluated 2021-09-01.

Conditions:
Self-limited epilepsy with centrotemporal spikes. Also called: Rolandic epilepsy; Childhood epilepsy with centrotemporal spikes. Identifiers: Orphanet 1945, MedGen C0376532, MONDO:0007295.
Cortical dysplasia-focal epilepsy syndrome (PTHSL1). Also called: Pitt-Hopkins-like syndrome 1. Identifiers: Orphanet 163681, Orphanet 221150, MedGen C2750246, MONDO:0012400, OMIM 610042.

Allele frequency attached by ClinVar (database versions not stated): ExAC 0.00002; gnomAD 0.00002; gnomAD exomes 0.00002 and 0.00005; TOPMed 0.00003.
gnomAD v4.1: 76 of 1,614,060 alleles (0.0047%); highest among the groups gnomAD compares: Non-Finnish European, 0.006%; no homozygotes.

Submissions (4):

Labcorp Genetics (formerly Invitae), Labcorp
Classification: Uncertain significance for Cortical dysplasia-focal epilepsy syndrome. Last evaluated: 2021-09-01. Review status: criteria provided, single submitter. Criteria: Invitae Variant Classification Sherloc (09022015). Collection method: clinical testing. Allele origin: germline.
Comment: This sequence change replaces tyrosine with cysteine at codon 716 of the CNTNAP2 protein (p.Tyr716Cys). The tyrosine residue is highly conserved and there is a large physicochemical difference between tyrosine and cysteine. This variant is present in population databases (rs760930032, ExAC 0.01%). This missense change has been observed in individual(s) with autism spectrum disorder and atypical Rolandic epilepsy (PMID: 18179895, 29358611). ClinVar contains an entry for this variant (Variation ID: 205258). Algorithms developed to predict the effect of missense changes on protein structure and function are either unavailable or do not agree on the potential impact of this missense change (SIFT: "Deleterious"; PolyPhen-2: "Possibly Damaging"; Align-GVGD: "Class C15"). Experimental studies have shown that this missense change affects CNTNAP2 function (PMID: 22872700, 29788201). In summary, the available evidence is currently insufficient to determine the role of this variant in disease. Therefore, it has been classified as a Variant of Uncertain Significance.

Eurofins Ntd Llc (ga)
Classification: Uncertain significance. Last evaluated: 2015-08-12. Review status: criteria provided, single submitter. Criteria: EGL Classification Definitions 2015. Collection method: clinical testing. Allele origin: germline. Observed: 1 variant allele, 1 heterozygote.

GeneDx
Classification: Uncertain significance. Last evaluated: 2012-08-07. Review status: criteria provided, single submitter. Criteria: GeneDx Variant Classification (06012015). Collection method: clinical testing. Allele origin: germline. Affected: yes.
Comment: p.Tyr716Cys (TAC>TGC):c.2147 A>G in exon 14 of the CNTNAP2 gene (NM_014141.4). The Tyr716Cys missense change has not been published as a mutation, nor has it been reported as a benign polymorphism to our knowledge. The NHLBI ESP Exome Variant Project has not identified Tyr716Cys in approximately 6,500 individuals of European or African American ethnicity, indicating that it is not a common benign variant in these populations. Althoug Tyrosine and Cysteine are both uncharged, polar amino acids, the gain of a Cysteine residue could affect disulfide bond formation in the protein. Tyr716Cys alters a position that is well conserved through mammals but is not conserved in more distant species or in related proteins. Some in silico models predict Tyr716Cys may be damaging to protein structure/function, while another model suggests it may not be pathogenic. Therefore, based on the currently available information, it is unclear whether Tyr716Cys is a disease-causing mutation or a rare benign variant. The variant is found in EPILEPSY panel(s).

Bioinformatics Core, Luxembourg Center for Systems Biomedicine
Classification: Pathogenic for Self-limited epilepsy with centrotemporal spikes. Last evaluated: 2017-01-01. Review status: no assertion criteria provided. Collection method: case-control. Allele origin: germline. Affected: yes. Study: EUROEPINOMICS COGIE. Not counted in ClinVar's aggregate classification.

Literature cited by the submitters: PubMed 18179895 (cited by Labcorp Genetics (formerly Invitae), Labcorp); PubMed 29358611 (cited by Labcorp Genetics (formerly Invitae), Labcorp and Bioinformatics Core, Luxembourg Center for Systems Biomedicine); PubMed 22872700 (cited by Labcorp Genetics (formerly Invitae), Labcorp); PubMed 29788201 (cited by Labcorp Genetics (formerly Invitae), Labcorp).